The following is an entry in ClinVar:

ClinVar aggregate classification (germline): Pathogenic (1 of 4 stars; one submission).

Conditions:
Hereditary spastic paraplegia 3A (SPG3A). Also called: SPASTIC PARAPLEGIA 3, AUTOSOMAL DOMINANT; FAMILIAL SPASTIC PARAPLEGIA, AUTOSOMAL DOMINANT, 1; SPG3; STRUMPELL DISEASE; Spastic Paraplegia 3A; Spastic paraplegia 3A, autosomal dominant. Identifiers: Orphanet 100984, MedGen C2931355, MONDO:0008437, OMIM 182600.

Submission:

Labcorp Genetics (formerly Invitae), Labcorp
Classification: Pathogenic for Hereditary spastic paraplegia 3A. Last evaluated: 2022-07-11. Review status: criteria provided, single submitter. Criteria: Invitae Variant Classification Sherloc (09022015). Collection method: clinical testing. Allele origin: germline.
Comment: Algorithms developed to predict the effect of missense changes on protein structure and function (SIFT, PolyPhen-2, Align-GVGD) all suggest that this variant is likely to be disruptive. For these reasons, this variant has been classified as Pathogenic. This variant disrupts the p.Ala350 amino acid residue in ATL1. Other variant(s) that disrupt this residue have been observed in individuals with ATL1-related conditions (PMID: 29980238), which suggests that this may be a clinically significant amino acid residue. Algorithms developed to predict the effect of sequence changes on RNA splicing suggest that this variant may disrupt the consensus splice site. ClinVar contains an entry for this variant (Variation ID: 654142). This missense change has been observed in individual(s) with hereditary spastic paraplegia (Invitae). In at least one individual the variant was observed to be de novo. This variant is not present in population databases (gnomAD no frequency). This sequence change replaces alanine, which is neutral and non-polar, with threonine, which is neutral and polar, at codon 350 of the ATL1 protein (p.Ala350Thr).

Literature cited by the submitters: PubMed 29980238.

NM_015915.5(ATL1):c.1048G>A (p.Ala350Thr)

Gene: ATL1 (atlastin GTPase 1; plus strand). Cytogenetic location: 14q22.1.
Variant type: single nucleotide variant.
Coding change: c.1048G>A on transcript NM_015915.5 (MANE Select); coding-DNA position 1048, G replaced by A.
Protein change: p.Ala350Thr; replaces alanine 350 with threonine.
Molecular consequence: missense variant.
Genome position (GRCh38, 1-based): chr14:50,623,177, G>A. VCF-style: chr14-50623177-G-A. GRCh37 (hg19) VCF-style: chr14-51089895-G-A.
Other names: c.1048G>A, p.Ala350Thr (NM_001127713.1, NM_181598.4); short protein forms A350T.
Identifiers: ClinVar variation 654142 (VCV000654142.10), dbSNP rs1595621292, ClinGen allele CA389674098.
Genomic context (GRCh38, chr14:50,623,177, plus strand): 5'-CTGTGGAAGTTTAATCAATATGAACTGCATTTTACATCATATTTTGTACTTTGTCCAAAG[G>A]CCACAGCAGAAGCTAACAATTTAGCAGCCGTGGCAACTGCCAAGGACACATACAACAAAA-3'
Protein context (NP_056999.2, residues 340-360): ELPHPKSMLQ[Ala350Thr]TAEANNLAAV